The following is an entry in ClinVar:

ClinVar aggregate classification (germline): Pathogenic. Review status: criteria provided, multiple submitters, no conflicts (2 of 4 stars). 3 submissions from 3 submitters: Pathogenic (3). Last evaluated 2024-10-28.

Conditions:
Juvenile polyposis syndrome (JPS). Identifiers: Orphanet 2929, MedGen C0345893, MONDO:0017380, OMIM 174900.
Hereditary cancer-predisposing syndrome. Also called: Neoplastic Syndromes, Hereditary; Hereditary neoplastic syndrome; Tumor predisposition; Hereditary Cancer Syndrome. Identifiers: Orphanet 140162, MedGen C0027672, MeSH D009386, MONDO:0015356.

Submissions (3):

Ambry Genetics
Classification: Pathogenic for Hereditary cancer-predisposing syndrome. Last evaluated: 2024-10-28. Review status: criteria provided, single submitter. Criteria: Ambry Variant Classification Scheme 2023. Collection method: clinical testing. Allele origin: germline.
Comment: The p.Y278* pathogenic mutation (also known as c.834C>G), located in coding exon 7 of the BMPR1A gene, results from a C to G substitution at nucleotide position 834. This changes the amino acid from a tyrosine to a stop codon within coding exon 7. This variant is considered to be rare based on population cohorts in the Genome Aggregation Database (gnomAD). This alteration is expected to result in loss of function by premature protein truncation or nonsense-mediated mRNA decay. As such, this alteration is interpreted as a disease-causing mutation.

Myriad Genetics, Inc.
Classification: Pathogenic for Juvenile polyposis syndrome. Last evaluated: 2023-05-26. Review status: criteria provided, single submitter. Criteria: Myriad Autosomal Dominant, Autosomal Recessive and X-Linked Classification Criteria (2023). Collection method: clinical testing. Allele origin: unknown.
Comment: This variant is considered pathogenic. This variant creates a termination codon and is predicted to result in premature protein truncation.

Labcorp Genetics (formerly Invitae), Labcorp
Classification: Pathogenic for Juvenile polyposis syndrome. Last evaluated: 2019-09-05. Review status: criteria provided, single submitter. Criteria: Invitae Variant Classification Sherloc (09022015). Collection method: clinical testing. Allele origin: germline.
Comment: This variant has not been reported in the literature in individuals with BMPR1A-related conditions. This sequence change creates a premature translational stop signal (p.Tyr278*) in the BMPR1A gene. It is expected to result in an absent or disrupted protein product. This variant is not present in population databases (ExAC no frequency). Loss-of-function variants in BMPR1A are known to be pathogenic (PMID: 11536076, 12417513). For these reasons, this variant has been classified as Pathogenic.

Literature cited by the submitters: PubMed 11536076 (cited by Labcorp Genetics (formerly Invitae), Labcorp); PubMed 12417513 (cited by Labcorp Genetics (formerly Invitae), Labcorp).

NM_004329.3(BMPR1A):c.834C>G (p.Tyr278Ter)

Gene: BMPR1A (bone morphogenetic protein receptor type 1A; plus strand). Cytogenetic location: 10q23.2.
Variant type: single nucleotide variant.
Coding change: c.834C>G on transcript NM_004329.3 (MANE Select); coding-DNA position 834, C replaced by G.
Protein change: p.Tyr278Ter; replaces tyrosine 278 with a stop codon.
Molecular consequence: nonsense.
Genome position (GRCh38, 1-based): chr10:86,917,292, C>G. VCF-style: chr10-86917292-C-G. GRCh37 (hg19) VCF-style: chr10-88677049-C-G.
Other names: short protein forms Y278*.
Identifiers: ClinVar variation 839418 (VCV000839418.13), dbSNP rs1230919713, ClinGen allele CA377458623.